The following is an entry in ClinVar:

NM_031433.4(MFRP):c.634dup (p.Leu212fs)

Genes: C1QTNF5 (C1q and TNF related 5; minus strand), MFRP (membrane frizzled-related protein; minus strand). Cytogenetic location: 11q23.3.
Variant type: Duplication.
Coding change: c.634dup on transcript NM_031433.4 (MANE Select); coding-DNA position 634, one base duplicated (C; older notation c.634dupC).
Protein change: p.Leu212fs; shifts the reading frame from leucine 212.
Molecular consequence: frameshift variant. On other transcripts: 5 prime UTR variant (1).
Genome position (GRCh38, 1-based): chr11:119,345,427, G duplicated on the plus strand (C on the coding strand, the reverse complement: MFRP is on the minus strand); the first of 5 consecutive G bases (chr11:119,345,427-119,345,431); duplicating any one gives the same sequence. VCF-style (leftmost placement, unchanged base first): chr11-119345426-A-AG. GRCh37 (hg19) VCF-style: chr11-119216136-A-AG.
Other names: c.-2003dup (NM_015645.5); short protein forms L212fs.
Identifiers: ClinVar variation 3726413 (VCV003726413.2).
Genomic context (GRCh38, chr11:119,345,426, plus strand): 5'-CTTTAGATAGTGGTTCAGGACACGGTGGGATGTCCTGGGGACAGAGGGACCTACCTGAGG[A>AG]GGGGGCCTTCAGGCTCAGGGGAGAGTTCCAAGCGATCAAAAAGGCAAGAGGCCACACTCT-3'

ClinVar aggregate classification (germline): Pathogenic (1 of 4 stars; one submission).

Conditions:
Isolated microphthalmia 5. Also called: Posterior Microphthalmia with Retinitis Pigmentosa, Foveoschisis, and Optic Disc Drusen. Identifiers: Orphanet 251279, MedGen C1970236, MONDO:0012605, OMIM 611040.

Submission:

Labcorp Genetics (formerly Invitae), Labcorp
Classification: Pathogenic for Isolated microphthalmia 5. Last evaluated: 2025-01-20. Review status: criteria provided, single submitter. Criteria: Invitae Variant Classification Sherloc (09022015). Collection method: clinical testing. Allele origin: germline.
Comment: This sequence change creates a premature translational stop signal (p.Leu212Profs*27) in the MFRP gene. It is expected to result in an absent or disrupted protein product. Loss-of-function variants in MFRP are known to be pathogenic (PMID: 12140190, 15976030, 20361016). This variant is not present in population databases (gnomAD no frequency). This variant has not been reported in the literature in individuals affected with MFRP-related conditions. For these reasons, this variant has been classified as Pathogenic.

Literature cited by the submitters: PubMed 12140190; PubMed 15976030; PubMed 20361016.